The following is an entry in ClinVar:

ClinVar aggregate classification (germline): Uncertain significance. Review status: criteria provided, multiple submitters, no conflicts (2 of 4 stars). 2 submissions from 2 submitters: Uncertain significance (2). Last evaluated 2025-03-05.

Conditions:
Inborn genetic diseases. Identifiers: MedGen C0950123, MeSH D030342.

Allele frequency attached by ClinVar (database versions not stated): ExAC 0.00002.
gnomAD v4.1: 15 of 1,613,316 alleles (0.00093%); highest among the groups gnomAD compares: Admixed American, 0.0033%; no homozygotes.

Submissions (2):

Labcorp Genetics (formerly Invitae), Labcorp
Classification: Uncertain significance. Last evaluated: 2025-03-05. Review status: criteria provided, single submitter. Criteria: Invitae Variant Classification Sherloc (09022015). Collection method: clinical testing. Allele origin: germline.
Comment: This sequence change replaces arginine, which is basic and polar, with cysteine, which is neutral and slightly polar, at codon 2064 of the DCHS1 protein (p.Arg2064Cys). This variant is present in population databases (rs752852456, gnomAD 0.006%). This variant has not been reported in the literature in individuals affected with DCHS1-related conditions. ClinVar contains an entry for this variant (Variation ID: 2712680). Invitae Evidence Modeling of protein sequence and biophysical properties (such as structural, functional, and spatial information, amino acid conservation, physicochemical variation, residue mobility, and thermodynamic stability) has been performed for this missense variant. However, the output from this modeling did not meet the statistical confidence thresholds required to predict the impact of this variant on DCHS1 protein function. In summary, the available evidence is currently insufficient to determine the role of this variant in disease. Therefore, it has been classified as a Variant of Uncertain Significance.

Ambry Genetics
Classification: Uncertain significance for Inborn genetic diseases. Last evaluated: 2024-05-06. Review status: criteria provided, single submitter. Criteria: Ambry Variant Classification Scheme 2023. Collection method: clinical testing. Allele origin: germline.

NM_003737.4(DCHS1):c.6190C>T (p.Arg2064Cys)

Gene: DCHS1 (dachsous cadherin-related 1; minus strand). Cytogenetic location: 11p15.4.
Variant type: single nucleotide variant.
Coding change: c.6190C>T on transcript NM_003737.4 (MANE Select); coding-DNA position 6190, C replaced by T.
Protein change: p.Arg2064Cys; replaces arginine 2064 with cysteine.
Molecular consequence: missense variant.
Genome position (GRCh38, 1-based): chr11:6,626,849, G>A on the plus strand (C>T on the coding strand, the complement: DCHS1 is on the minus strand). VCF-style: chr11-6626849-G-A. GRCh37 (hg19) VCF-style: chr11-6648080-G-A.
Other names: c.6190C>T (NM_003737.2); short protein forms R2064C.
Identifiers: ClinVar variation 2712680 (VCV002712680.4), dbSNP rs752852456, ClinGen allele CA5859945.
Genomic context (GRCh38, chr11:6,626,849, plus strand): 5'-CTGGGGGCGCATTCTCACGAATCGTAGCCTCACTGCTAGCCCGGGGAAAGCGGGGTCCAC[G>A]CTCAGCTTCCCCCTGCAGTCCAACAATGATCACACCAGTGGCAGAGCGAGCTGGACGGCC-3'
Protein context (NP_003728.1, residues 2054-2074): IIVGLQGEAE[Arg2064Cys]GPRFPRASSE